The following is an entry in ClinVar:

ClinVar aggregate classification (germline): Uncertain significance. Review status: criteria provided, multiple submitters, no conflicts (2 of 4 stars). 2 submissions from 2 submitters: Uncertain significance (2). Last evaluated 2022-12-12.

Conditions:
Hereditary cancer-predisposing syndrome. Also called: Neoplastic Syndromes, Hereditary; Hereditary neoplastic syndrome; Hereditary Cancer Syndrome; Tumor predisposition. Identifiers: Orphanet 140162, MedGen C0027672, MeSH D009386, MONDO:0015356.

Submissions (2):

Ambry Genetics
Classification: Uncertain significance for Hereditary cancer-predisposing syndrome. Last evaluated: 2022-12-12. Review status: criteria provided, single submitter. Criteria: Ambry Variant Classification Scheme 2023. Collection method: clinical testing. Allele origin: germline.
Comment: The p.Q978H variant (also known as c.2934A>T), located in coding exon 15 of the APC gene, results from an A to T substitution at nucleotide position 2934. The glutamine at codon 978 is replaced by histidine, an amino acid with highly similar properties. This amino acid position is well conserved in available vertebrate species. In addition, in silico predictors for this gene do not accurately predict pathogenicity. Since supporting evidence is limited at this time, the clinical significance of this alteration remains unclear.

Institute for Biomarker Research, Medical Diagnostic Laboratories, L.L.C.
Classification: Uncertain significance for Hereditary cancer-predisposing syndrome. Last evaluated: 2022-06-28. Review status: criteria provided, single submitter. Criteria: ACMG Guidelines, 2015. Collection method: clinical testing. Allele origin: germline.

NM_000038.6(APC):c.2934A>T (p.Gln978His)

Gene: APC (APC regulator of Wnt signaling pathway; plus strand). Cytogenetic location: 5q22.2.
Variant type: single nucleotide variant.
Coding change: c.2934A>T on transcript NM_000038.6 (MANE Select); coding-DNA position 2934, A replaced by T.
Protein change: p.Gln978His; replaces glutamine 978 with histidine.
Molecular consequence: missense variant.
Genome position (GRCh38, 1-based): chr5:112,838,528, A>T. VCF-style: chr5-112838528-A-T. GRCh37 (hg19) VCF-style: chr5-112174225-A-T.
Other names: c.2934A>T (NM_000038.5); c.2934A>T, p.Gln978His (NM_001127510.3, NM_001354895.2, NM_001407450.1); c.2880A>T, p.Gln960His (NM_001127511.3); c.2988A>T, p.Gln996His (NM_001354896.2, NM_001407447.1, NM_001407448.1 and 1 more transcripts); c.2964A>T, p.Gln988His (NM_001354897.2); c.2859A>T, p.Gln953His (NM_001354898.2); c.2850A>T, p.Gln950His (NM_001354899.2); c.2811A>T, p.Gln937His (NM_001354900.2); and 12 more; short protein forms Q695H, Q818H, Q849H, Q887H, Q919H, Q594H, Q877H, Q960H.
Identifiers: ClinVar variation 1810755 (VCV001810755.3), dbSNP rs1765298867, ClinGen allele CA16027740.